The following is an entry in ClinVar:

NM_000214.3(JAG1):c.2887T>C (p.Phe963Leu)

Gene: JAG1 (jagged canonical Notch ligand 1; minus strand). Cytogenetic location: 20p12.2.
Variant type: single nucleotide variant.
Coding change: c.2887T>C on transcript NM_000214.3 (MANE Select); coding-DNA position 2887, T replaced by C.
Protein change: p.Phe963Leu; replaces phenylalanine 963 with leucine.
Molecular consequence: missense variant.
Genome position (GRCh38, 1-based): chr20:10,641,489, A>G on the plus strand (T>C on the coding strand, the complement: JAG1 is on the minus strand). VCF-style: chr20-10641489-A-G. GRCh37 (hg19) VCF-style: chr20-10622137-A-G.
Other names: short protein forms F963L.
Identifiers: ClinVar variation 3769179 (VCV003769179.3).

ClinVar aggregate classification (germline): Uncertain significance (1 of 4 stars; one submission).

Submission:

Women's Health and Genetics/Laboratory Corporation of America, LabCorp
Classification: Uncertain significance. Last evaluated: 2026-06-05. Review status: criteria provided, single submitter. Criteria: LabCorp Variant Classification Summary - May 2015. Collection method: clinical testing. Allele origin: germline.
Comment: Variant summary: JAG1 c.2887T>C (p.Phe963Leu) results in a non-conservative amino acid change in the encoded protein sequence. Algorithms developed to predict the effect of missense changes on protein structure and function are either unavailable or do not agree on the potential impact of this missense change. The variant was absent in 251372 control chromosomes. The available data on variant occurrences in the general population are insufficient to allow any conclusion about variant significance. To our knowledge, no occurrence of c.2887T>C in individuals affected with JAG1-related conditions and no experimental evidence demonstrating its impact on protein function have been reported. ClinVar contains an entry for this variant (Variation ID: 3769179). Based on the evidence outlined above, the variant was classified as uncertain significance.